The following is an entry in ClinVar:

ClinVar aggregate classification (germline): Uncertain significance. Review status: criteria provided, multiple submitters, no conflicts (2 of 4 stars). 3 submissions from 3 submitters: Uncertain significance (3). Last evaluated 2025-12-01.

Conditions:
Bethlem myopathy 1A. Also called: MYOPATHY, BENIGN CONGENITAL, WITH CONTRACTURES; Bethlem myopathy 1; Bethlem Muscular Dystrophy. Identifiers: Orphanet 610, MedGen CN029274, MONDO:0024530, OMIM 158810.
Inborn genetic diseases. Identifiers: MedGen C0950123, MeSH D030342.

Submissions (3):

CeGaT Center for Human Genetics Tuebingen
Classification: Uncertain significance. Last evaluated: 2025-12-01. Review status: criteria provided, single submitter. Criteria: CeGaT Center For Human Genetics Tuebingen Variant Classification Criteria Version 2. Collection method: clinical testing. Allele origin: germline. Affected: yes. Observed: 3 variant alleles.
Comment: COL6A3: PM2, BP4

Ambry Genetics
Classification: Uncertain significance for Inborn genetic diseases. Last evaluated: 2022-07-06. Review status: criteria provided, single submitter. Criteria: Ambry Variant Classification Scheme 2023. Collection method: clinical testing. Allele origin: germline.

Labcorp Genetics (formerly Invitae), Labcorp
Classification: Uncertain significance for Bethlem myopathy 1A. Last evaluated: 2022-02-24. Review status: criteria provided, single submitter. Criteria: Invitae Variant Classification Sherloc (09022015). Collection method: clinical testing. Allele origin: germline.
Comment: In summary, the available evidence is currently insufficient to determine the role of this variant in disease. Therefore, it has been classified as a Variant of Uncertain Significance. Advanced modeling of protein sequence and biophysical properties (such as structural, functional, and spatial information, amino acid conservation, physicochemical variation, residue mobility, and thermodynamic stability) performed at Invitae indicates that this missense variant is not expected to disrupt COL6A3 protein function. ClinVar contains an entry for this variant (Variation ID: 809190). This variant has not been reported in the literature in individuals affected with COL6A3-related conditions. This variant is not present in population databases (gnomAD no frequency). This sequence change replaces glutamine, which is neutral and polar, with proline, which is neutral and non-polar, at codon 2484 of the COL6A3 protein (p.Gln2484Pro).

NM_004369.4(COL6A3):c.7451A>C (p.Gln2484Pro)

Gene: COL6A3 (collagen type VI alpha 3 chain; minus strand). Cytogenetic location: 2q37.3.
Variant type: single nucleotide variant.
Coding change: c.7451A>C on transcript NM_004369.4 (MANE Select); coding-DNA position 7451, A replaced by C.
Protein change: p.Gln2484Pro; replaces glutamine 2484 with proline.
Molecular consequence: missense variant.
Genome position (GRCh38, 1-based): chr2:237,344,567, T>G on the plus strand (A>C on the coding strand, the complement: COL6A3 is on the minus strand). VCF-style: chr2-237344567-T-G. GRCh37 (hg19) VCF-style: chr2-238253210-T-G.
Other names: c.5630A>C, p.Gln1877Pro (NM_057166.5); c.6833A>C, p.Gln2278Pro (NM_057167.4); short protein forms Q2278P, Q1877P, Q2484P.
Identifiers: ClinVar variation 809190 (VCV000809190.49), dbSNP rs1574948119, ClinGen allele CA351202911.